The following is an entry in ClinVar:

NM_001017980.4(VMA21):c.-486C>T

Gene: VMA21 (vacuolar ATPase assembly factor VMA21; plus strand). Cytogenetic location: Xq28.
Variant type: single nucleotide variant.
Coding change: c.-486C>T on transcript NM_001017980.4 (MANE Select); 486 bases upstream of the start codon, C replaced by T.
Molecular consequence: genic upstream transcript variant. On other transcripts: 5 prime UTR variant (1).
Genome position (GRCh38, 1-based): chrX:151,396,823, C>T. VCF-style: chrX-151396823-C-T. GRCh37 (hg19) VCF-style: chrX-150565295-C-T.
Other names: c.-17C>T (NM_001363810.1).
Identifiers: ClinVar variation 2501095 (VCV002501095.1), dbSNP rs1162905316, ClinGen allele CA645127951.

ClinVar aggregate classification (germline): Uncertain significance (1 of 4 stars; one submission).

Allele frequency attached by ClinVar (database versions not stated): gnomAD exomes 0.00002; gnomAD 0.00009; TOPMed 0.00013; 1000 Genomes Project 30x 0.00042.

Submission:

Women's Health and Genetics/Laboratory Corporation of America, LabCorp
Classification: Uncertain significance. Last evaluated: 2023-03-16. Review status: criteria provided, single submitter. Criteria: LabCorp Variant Classification Summary - May 2015. Collection method: clinical testing. Allele origin: germline.
Comment: Variant summary: VMA21 c.-486C>T is located in the untranscribed region upstream of the VMA21 gene region. The variant allele was found at a frequency of 9e-05 in 110733 control chromosomes (gnomAD v3.1.2). To our knowledge, no occurrence of c.-486C>T in individuals affected with X-Linked Myopathy With Excessive Autophagy and no experimental evidence demonstrating its impact on protein function have been reported. No clinical diagnostic laboratories have submitted clinical-significance assessments for this variant to ClinVar after 2014. Based on the evidence outlined above, the variant was classified as uncertain significance.